The following is an entry in ClinVar:

NM_020762.4(SRGAP1):c.1705A>G (p.Ser569Gly)

Gene: SRGAP1 (SLIT-ROBO Rho GTPase activating protein 1; plus strand). Cytogenetic location: 12q14.2.
Variant type: single nucleotide variant.
Coding change: c.1705A>G on transcript NM_020762.4 (MANE Select); coding-DNA position 1705, A replaced by G.
Protein change: p.Ser569Gly; replaces serine 569 with glycine.
Molecular consequence: missense variant.
Genome position (GRCh38, 1-based): chr12:64,097,267, A>G. VCF-style: chr12-64097267-A-G. GRCh37 (hg19) VCF-style: chr12-64491047-A-G.
Other names: NC_000012.11:g.64491047A>G; c.1705A>G (NM_020762.3); c.1636A>G, p.Ser546Gly (NM_001346201.2); short protein forms S546G, S569G.
Identifiers: ClinVar variation 710136 (VCV000710136.8), dbSNP rs115343529, ClinGen allele CA6666809.

ClinVar aggregate classification (germline): Likely benign. Review status: criteria provided, multiple submitters, no conflicts (2 of 4 stars). 3 submissions from 3 submitters: Likely benign (2). 1 of the submissions does not count toward it. Last evaluated 2019-12-31.

Conditions:
SRGAP1-related disorder. Also called: SRGAP1-related condition.

Allele frequency attached by ClinVar (database versions not stated): gnomAD exomes 0.00018 and 0.00041; ExAC 0.00051; gnomAD 0.00195 and 0.00212; TOPMed 0.00215; 1000 Genomes Project 0.00220; 1000 Genomes Project 30x 0.00250; ESP Exome Variant Server 0.00254.
gnomAD v4.1: 561 of 1,609,728 alleles (0.035%); highest among the groups gnomAD compares: African/African-American, 0.67%; 1 homozygote.

Submissions (4):

Labcorp Genetics (formerly Invitae), Labcorp
Classification: Likely benign. Last evaluated: 2019-12-31. Review status: criteria provided, single submitter. Criteria: Invitae Variant Classification Sherloc (09022015). Collection method: clinical testing. Allele origin: germline.

Breakthrough Genomics
Classification: Likely benign. Review status: criteria provided, single submitter. Criteria: ACMG Guidelines, 2015. Collection method: not provided. Allele origin: germline. Inheritance: Autosomal dominant inheritance. Affected: yes.

PreventionGenetics, part of Exact Sciences
Classification: Benign for SRGAP1-related condition. Last evaluated: 2019-07-24. Review status: no assertion criteria provided. Collection method: clinical testing. Allele origin: germline. Not counted in ClinVar's aggregate classification.
Comment: This variant is classified as benign based on ACMG/AMP sequence variant interpretation guidelines (Richards et al. 2015 PMID: 25741868, with internal and published modifications).

Dr. Peter K. Rogan Lab, Western University
No classification provided (evidence only). Condition: Familial cancer of breast. Review status: no classification provided. Collection method: in vitro. Allele origin: not applicable. Functional consequence: retained intron. Not counted in ClinVar's aggregate classification.